The following is an entry in ClinVar:

NM_172107.4(KCNQ2):c.1270C>T (p.Pro424Ser)

Gene: KCNQ2 (potassium voltage-gated channel subfamily Q member 2; minus strand). Cytogenetic location: 20q13.33.
Variant type: single nucleotide variant.
Coding change: c.1270C>T on transcript NM_172107.4 (MANE Select); coding-DNA position 1270, C replaced by T.
Protein change: p.Pro424Ser; replaces proline 424 with serine.
Molecular consequence: missense variant. On other transcripts: intron variant (3).
Genome position (GRCh38, 1-based): chr20:63,419,650, G>A on the plus strand (C>T on the coding strand, the complement: KCNQ2 is on the minus strand). VCF-style: chr20-63419650-G-A. GRCh37 (hg19) VCF-style: chr20-62051003-G-A.
Other names: p.Pro424Ser; c.1218-4524C>T (NM_004518.6); c.1247+4527C>T (NM_172108.5); c.1248-4524C>T (NM_172106.3); c.1270C>T (NM_172107.3); short protein forms P424S.
Identifiers: ClinVar variation 405210 (VCV000405210.58), dbSNP rs748120886, ClinGen allele CA9958516.

ClinVar aggregate classification (germline): Conflicting classifications of pathogenicity. Review status: criteria provided, conflicting classifications (1 of 4 stars). 6 submissions from 6 submitters: Uncertain significance (3); Benign (1); Likely benign (2). Last evaluated 2026-09-12.

Conditions:
Early-infantile DEE. Also called: Ohtahara syndrome; Early infantile epileptic encephalopathy with suppression bursts; Early infantile epileptic encephalopathy. Identifiers: Orphanet 1934, MedGen C0393706, MONDO:0800491.
Inborn genetic diseases. Identifiers: MedGen C0950123, MeSH D030342.
KCNQ2-Related Disorders. Also called: KCNQ2-related disorder; KCNQ2-related condition. Identifiers: MedGen CN169299.
Developmental and epileptic encephalopathy, 7 (DEE7). Also called: Early infantile epileptic encephalopathy 7; KCNQ2-Related Neonatal Epileptic Encephalopathy; KCNQ2-Related Neonatal-Onset Developmental and Epileptic Encephalopathy (NEO-DEE). Identifiers: Orphanet 439218, MedGen C3150986, MONDO:0013387, OMIM 613720.
Seizures, benign familial neonatal, 1. Also called: Benign Neonatal Epilepsy 1; KCNQ2-Related Benign Familial Neonatal Epilepsy; Seizures, benign neonatal, 1; KCNQ2-Related Self-Limited Familial Neonatal Epilepsy (SLFNE). Identifiers: Orphanet 1949, MedGen C3149074, MONDO:0007365, OMIM 121200.

Allele frequency attached by ClinVar (database versions not stated): gnomAD 0.00001; gnomAD exomes 0.00002 and 0.00009; TOPMed 0.00005; ExAC 0.00006.
gnomAD v4.1: 26 of 1,611,498 alleles (0.0016%); highest among the groups gnomAD compares: Admixed American, 0.042%; no homozygotes.

Submissions (6):

PreventionGenetics, part of Exact Sciences
Classification: Likely benign for KCNQ2-related condition. Last evaluated: 2026-09-12. Review status: criteria provided, single submitter. Criteria: ACMG Guidelines, 2015. Collection method: clinical testing. Allele origin: germline.
Comment: This variant is classified as likely benign based on ACMG/AMP sequence variant interpretation guidelines (Richards et al. 2015 PMID: 25741868, with internal and published modifications).

Clinical Genomics Laboratory, Washington University in St. Louis
Classification: Uncertain significance for Developmental and epileptic encephalopathy, 7; Seizures, benign familial neonatal, 1. Last evaluated: 2026-04-26. Review status: criteria provided, single submitter. Criteria: ACMG Guidelines, 2015. Collection method: clinical testing. Allele origin: germline.
Comment: A KCNQ2 c.1270C>T (p.Pro424Ser) variant was identified at a near heterozygous allelic fraction of 49.6%, a frequency which may be consistent with it being of germline origin. This variant, to our knowledge, has not been reported in the medical literature. It has been reported in the ClinVar database as a germline benign/likely benign variant by two submitters and variant of uncertain significance by two submitters (Variation ID: 405210). It is observed in 26/1,611,498 alleles in the general population (gnomAD v4.1.1). Computational predictors suggest that the variant does not impact KCNQ2 function. Due to limited information, and based on ACMG/AMP guidelines for variant interpretation (Richards S et al., PMID: 25741868), the clinical significance of this variant is uncertain at this time.

Labcorp Genetics (formerly Invitae), Labcorp
Classification: Likely benign for Early-infantile DEE. Last evaluated: 2025-11-05. Review status: criteria provided, single submitter. Criteria: Invitae Variant Classification Sherloc (09022015). Collection method: clinical testing. Allele origin: germline.

Mayo Clinic Laboratories, Mayo Clinic
Classification: Uncertain significance. Last evaluated: 2025-03-13. Review status: criteria provided, single submitter. Criteria: ACMG Guidelines, 2015. Collection method: clinical testing. Allele origin: germline. Observed: 1 variant allele.
Comment: BP4

GeneDx
Classification: Uncertain significance. Last evaluated: 2017-07-28. Review status: criteria provided, single submitter. Criteria: GeneDx Variant Classification (06012015). Collection method: clinical testing. Allele origin: germline. Affected: yes.
Comment: A variant of uncertain significance has been identified in the KCNQ2 gene. The P424S variant has not been published as a pathogenic variant, nor has it been reported as a benign variant to our knowledge. The P424S variant is observed in 6/7862 (0.1%) alleles from individuals of Latino background (Lek et al., 2016; 1000 Genomes Consortium et al., 2015; Exome Variant Server). This substitution occurs at a position that is not conserved. In silico analysis is inconsistent in its predictions as to whether or not the variant is damaging to the protein structure/function. However, the P424S variant is a non-conservative amino acid substitution, which is likely to impact secondary protein structure as these residues differ in polarity, charge, size and/or other properties. Additionally, the majority of missense variants in this gene are considered pathogenic (Stenson et al., 2014). Therefore, based on the currently available information, it is unclear whether this variant is a pathogenic variant or a rare benign variant.

Ambry Genetics
Classification: Benign for Inborn genetic diseases. Last evaluated: 2017-05-25. Review status: criteria provided, single submitter. Criteria: Ambry Variant Classification Scheme 2023. Collection method: clinical testing. Allele origin: germline.

Literature cited by the submitters: uncertain (cited by Clinical Genomics Laboratory, Washington University in St. Louis).